The following is an entry in ClinVar:

NM_000492.4(CFTR):c.320C>G (p.Ala107Gly)

Gene: CFTR (CF transmembrane conductance regulator; plus strand). Cytogenetic location: 7q31.2.
Variant type: single nucleotide variant.
Coding change: c.320C>G on transcript NM_000492.4 (MANE Select); coding-DNA position 320, C replaced by G.
Protein change: p.Ala107Gly; replaces alanine 107 with glycine.
Molecular consequence: missense variant.
Genome position (GRCh38, 1-based): chr7:117,530,945, C>G. VCF-style: chr7-117530945-C-G. GRCh37 (hg19) VCF-style: chr7-117170999-C-G.
Other names: A107G.
Identifiers: ClinVar variation 1706074 (VCV001706074.1), dbSNP rs2485009015, ClinGen allele CA368974373.

ClinVar aggregate classification (germline): Likely pathogenic (1 of 4 stars; one submission).

Conditions:
Cystic fibrosis (CF). Also called: MUCOVISCIDOSIS. Identifiers: Orphanet 586, MedGen C0010674, MONDO:0009061, OMIM 219700. Disease mechanism: loss of function.

Submission:

Institute of Human Genetics, University of Leipzig Medical Center
Classification: Likely pathogenic for Cystic fibrosis. Last evaluated: 2022-09-05. Review status: criteria provided, single submitter. Criteria: ACMG Guidelines, 2015. Collection method: curation. Allele origin: unknown. Affected: yes. Observed: 1 variant allele.
Comment: The variant was classified in the context of a project re-classifying variants in the German Cystic Fibrosis Registry (Muko.e.V.). Criteria applied: PM2_SUP, PM3, PM5_STR, PP3